The following is an entry in ClinVar:

ClinVar aggregate classification (germline): Uncertain significance (1 of 4 stars; one submission).

Submission:

Labcorp Genetics (formerly Invitae), Labcorp
Classification: Uncertain significance. Last evaluated: 2022-02-01. Review status: criteria provided, single submitter. Criteria: Invitae Variant Classification Sherloc (09022015). Collection method: clinical testing. Allele origin: germline.
Comment: In summary, the available evidence is currently insufficient to determine the role of this variant in disease. Therefore, it has been classified as a Variant of Uncertain Significance. Algorithms developed to predict the effect of missense changes on protein structure and function (SIFT, PolyPhen-2, Align-GVGD) all suggest that this variant is likely to be tolerated. This variant has not been reported in the literature in individuals affected with WISP3-related conditions. This variant is not present in population databases (gnomAD no frequency). This sequence change replaces lysine, which is basic and polar, with asparagine, which is neutral and polar, at codon 208 of the WISP3 protein (p.Lys208Asn).

NM_198239.2(CCN6):c.624A>T (p.Lys208Asn)

Gene: CCN6 (cellular communication network factor 6; plus strand). Cytogenetic location: 6q21.
Variant type: single nucleotide variant.
Coding change: c.624A>T on transcript NM_198239.2 (MANE Select); coding-DNA position 624, A replaced by T.
Protein change: p.Lys208Asn; replaces lysine 208 with asparagine.
Molecular consequence: missense variant. On other transcripts: non-coding transcript variant (2).
Genome position (GRCh38, 1-based): chr6:112,068,239, A>T. VCF-style: chr6-112068239-A-T. GRCh37 (hg19) VCF-style: chr6-112389442-A-T.
Other names: c.624A>T, p.Lys208Asn (NM_003880.4); short protein forms K208N.
Identifiers: ClinVar variation 2091304 (VCV002091304.4), dbSNP rs2546928915, ClinGen allele CA365374338.